The following is an entry in ClinVar:

NM_020949.3(SLC7A14):c.1775A>G (p.Glu592Gly)

Genes: SLC7A14 (solute carrier family 7 member 14; minus strand), SLC7A14-AS1 (SLC7A14 antisense RNA 1; plus strand). Cytogenetic location: 3q26.2.
Variant type: single nucleotide variant.
Coding change: c.1775A>G on transcript NM_020949.3 (MANE Select); coding-DNA position 1775, A replaced by G.
Protein change: p.Glu592Gly; replaces glutamic acid 592 with glycine.
Molecular consequence: missense variant.
Genome position (GRCh38, 1-based): chr3:170,480,507, T>C on the plus strand (A>G on the coding strand, the complement: SLC7A14 is on the minus strand). VCF-style: chr3-170480507-T-C. GRCh37 (hg19) VCF-style: chr3-170198296-T-C.
Other names: short protein forms E592G.
Identifiers: ClinVar variation 2805633 (VCV002805633.3), dbSNP rs558986021, ClinGen allele CA87709757.

ClinVar aggregate classification (germline): Uncertain significance (1 of 4 stars; one submission).

Allele frequency attached by ClinVar (database versions not stated): gnomAD 0.00001; 1000 Genomes Project 0.00020; 1000 Genomes Project 30x 0.00031.
gnomAD v4.1: 1 of 1,614,180 alleles (0.000062%); highest among the groups gnomAD compares: Non-Finnish European, 0.000085%; no homozygotes.

Submission:

Labcorp Genetics (formerly Invitae), Labcorp
Classification: Uncertain significance. Last evaluated: 2024-09-05. Review status: criteria provided, single submitter. Criteria: Invitae Variant Classification Sherloc (09022015). Collection method: clinical testing. Allele origin: germline.
Comment: This sequence change replaces glutamic acid, which is acidic and polar, with glycine, which is neutral and non-polar, at codon 592 of the SLC7A14 protein (p.Glu592Gly). This variant is not present in population databases (gnomAD no frequency). This variant has not been reported in the literature in individuals affected with SLC7A14-related conditions. An algorithm developed to predict the effect of missense changes on protein structure and function outputs the following: PolyPhen-2: "Benign". The glycine amino acid residue is found in multiple mammalian species, which suggests that this missense change does not adversely affect protein function. In summary, the available evidence is currently insufficient to determine the role of this variant in disease. Therefore, it has been classified as a Variant of Uncertain Significance.